The following is an entry in ClinVar:

ClinVar aggregate classification (germline): Uncertain significance (1 of 4 stars; one submission).

Allele frequency attached by ClinVar (database versions not stated): gnomAD exomes below 0.00001; gnomAD 0.00001.
gnomAD v4.1: 2 of 1,613,822 alleles (0.00012%); highest among the groups gnomAD compares: African/African-American, 0.0013%; no homozygotes.

Submission:

Labcorp Genetics (formerly Invitae), Labcorp
Classification: Uncertain significance. Last evaluated: 2022-06-11. Review status: criteria provided, single submitter. Criteria: Invitae Variant Classification Sherloc (09022015). Collection method: clinical testing. Allele origin: germline.
Comment: In summary, the available evidence is currently insufficient to determine the role of this variant in disease. Therefore, it has been classified as a Variant of Uncertain Significance. Algorithms developed to predict the effect of missense changes on protein structure and function are either unavailable or do not agree on the potential impact of this missense change (SIFT: "Not Available"; PolyPhen-2: "Probably Damaging"; Align-GVGD: "Not Available"). This variant has not been reported in the literature in individuals affected with POLR1A-related conditions. This variant is not present in population databases (gnomAD no frequency). This sequence change replaces glutamic acid, which is acidic and polar, with lysine, which is basic and polar, at codon 734 of the POLR1A protein (p.Glu734Lys).

NM_015425.6(POLR1A):c.2200G>A (p.Glu734Lys)

Gene: POLR1A (RNA polymerase I subunit A; minus strand). Cytogenetic location: 2p11.2.
Variant type: single nucleotide variant.
Coding change: c.2200G>A on transcript NM_015425.6 (MANE Select); coding-DNA position 2200, G replaced by A.
Protein change: p.Glu734Lys; replaces glutamic acid 734 with lysine.
Molecular consequence: missense variant.
Genome position (GRCh38, 1-based): chr2:86,054,148, C>T on the plus strand (G>A on the coding strand, the complement: POLR1A is on the minus strand). VCF-style: chr2-86054148-C-T. GRCh37 (hg19) VCF-style: chr2-86281271-C-T.
Other names: short protein forms E734K.
Identifiers: ClinVar variation 1945698 (VCV001945698.5), dbSNP rs966695641, ClinGen allele CA51340031.
Genomic context (GRCh38, chr2:86,054,148, plus strand): 5'-TGTCTAACCCCGGCACTAGAAGTCTCCACTCCACACAGCTGGACAGCCATACCTGGGACT[C>T]GCACATCGAGTCAGGGTTAAAGCCAGGAACGGATCGAGGAGTTTCCTTCACCCAGGCTTT-3'
Protein context (NP_056240.2, residues 724-744): VPGFNPDSMC[Glu734Lys]SQVIIREGEL